The following is an entry in ClinVar:

ClinVar aggregate classification (germline): Uncertain significance. Review status: criteria provided, multiple submitters, no conflicts (2 of 4 stars). 2 submissions from 2 submitters: Uncertain significance (2). Last evaluated 2025-09-02.

Conditions:
Retinitis pigmentosa 90. Identifiers: MedGen C5436588, MONDO:0033563, OMIM 619007.

Allele frequency attached by ClinVar (database versions not stated): gnomAD exomes below 0.00001; TOPMed 0.00002; ESP Exome Variant Server 0.00008; ExAC 0.00001.
gnomAD v4.1: 4 of 1,597,602 alleles (0.00025%); highest among the groups gnomAD compares: Non-Finnish European, 0.00026%; no homozygotes.

Submissions (2):

Victorian Clinical Genetics Services, Murdoch Childrens Research Institute
Classification: Uncertain significance for Retinitis pigmentosa 90. Last evaluated: 2025-09-02. Review status: criteria provided, single submitter. Criteria: ACMG Guidelines, 2015. Collection method: clinical testing. Allele origin: germline. Affected: yes.
Comment: This variant is classified as VUS-3B. Evidence in support of pathogenic classification: Variant is predicted to result in a truncated protein (premature termination codon is NOT located at least 54 nucleotides upstream of the final exon-exon junction) with less than 1/3 of the protein sequence affected; Variant is present in gnomAD <0.01 for a recessive condition (v4: 4 heterozygote(s), 0 homozygote(s)). Additional information: This variant is heterozygous; This gene is associated with autosomal recessive disease; Previous evidence of pathogenicity for this variant is inconclusive. This variant has been classified as a VUS by a clinical laboratory in ClinVar. - No published evidence of segregation with disease has been identified for this variant; No published functional evidence has been identified for this variant; No comparable protein truncating variants have previous evidence for pathogenicity; Loss of function is a known mechanism of disease in this gene and is associated with retinitis pigmentosa 90 (MIM#619007).

Labcorp Genetics (formerly Invitae), Labcorp
Classification: Uncertain significance. Last evaluated: 2021-06-19. Review status: criteria provided, single submitter. Criteria: Invitae Variant Classification Sherloc (09022015). Collection method: clinical testing. Allele origin: germline.
Comment: In summary, the available evidence is currently insufficient to determine the role of this variant in disease. Therefore, it has been classified as a Variant of Uncertain Significance. Experimental studies and prediction algorithms are not available or were not evaluated, and the functional significance of this variant is currently unknown. This variant has not been reported in the literature in individuals with IDH3A-related conditions. This variant is present in population databases (rs141316392, ExAC 0.001%). This sequence change creates a premature translational stop signal (p.Arg361*) in the IDH3A gene. While this is not anticipated to result in nonsense mediated decay, it is expected to disrupt the last 6 amino acid(s) of the IDH3A protein.

NM_005530.3(IDH3A):c.1081C>T (p.Arg361Ter)

Genes: IDH3A (isocitrate dehydrogenase (NAD(+)) 3 catalytic subunit alpha; plus strand), ACSBG1 (acyl-CoA synthetase bubblegum family member 1; minus strand). Cytogenetic location: 15q25.1.
Variant type: single nucleotide variant.
Coding change: c.1081C>T on transcript NM_005530.3 (MANE Select); coding-DNA position 1081, C replaced by T.
Protein change: p.Arg361Ter; replaces arginine 361 with a stop codon.
Molecular consequence: nonsense. On other transcripts: 3 prime UTR variant (2).
Genome position (GRCh38, 1-based): chr15:78,168,985, C>T. VCF-style: chr15-78168985-C-T. GRCh37 (hg19) VCF-style: chr15-78461327-C-T.
Other names: c.*2459G>A (NM_001199377.2, NM_015162.5); short protein forms R361*.
Identifiers: ClinVar variation 1366668 (VCV001366668.8), dbSNP rs141316392, ClinGen allele CA7680760.